The following is an entry in ClinVar:

NM_005188.4(CBL):c.677C>G (p.Ser226Cys)

Gene: CBL (Cbl proto-oncogene; plus strand). Cytogenetic location: 11q23.3.
Variant type: single nucleotide variant.
Coding change: c.677C>G on transcript NM_005188.4 (MANE Select); coding-DNA position 677, C replaced by G.
Protein change: p.Ser226Cys; replaces serine 226 with cysteine.
Molecular consequence: missense variant.
Genome position (GRCh38, 1-based): chr11:119,273,954, C>G. VCF-style: chr11-119273954-C-G. GRCh37 (hg19) VCF-style: chr11-119144664-C-G.
Other names: short protein forms S226C.
Identifiers: ClinVar variation 4613817 (VCV004613817.1).

ClinVar aggregate classification (germline): Uncertain significance (1 of 4 stars; one submission).

Conditions:
Cardiovascular phenotype. Identifiers: MedGen CN230736.

Submission:

Ambry Genetics
Classification: Uncertain significance for Cardiovascular phenotype. Last evaluated: 2025-09-20. Review status: criteria provided, single submitter. Criteria: Ambry Variant Classification Scheme 2023. Collection method: clinical testing. Allele origin: germline.
Comment: The p.S226C variant (also known as c.677C>G), located in coding exon 4 of the CBL gene, results from a C to G substitution at nucleotide position 677. The serine at codon 226 is replaced by cysteine, an amino acid with dissimilar properties. This amino acid position is conserved. In addition, this alteration is predicted to be deleterious by in silico analysis. Based on the available evidence, the clinical significance of this variant remains unclear.